The following is an entry in ClinVar:

NM_006269.2(RP1):c.2173dup (p.Ile725fs)

Gene: RP1 (RP1 axonemal microtubule associated; plus strand). Cytogenetic location: 8q12.1.
Variant type: Duplication.
Coding change: c.2173dup on transcript NM_006269.2 (MANE Select); coding-DNA position 2173, one base duplicated (A; older notation c.2173dupA).
Protein change: p.Ile725fs; shifts the reading frame from isoleucine 725.
Molecular consequence: frameshift variant. On other transcripts: intron variant (1).
Genome position (GRCh38, 1-based): chr8:54,626,055, A duplicated. VCF-style (leftmost placement, unchanged base first): chr8-54626054-G-GA. GRCh37 (hg19) VCF-style: chr8-55538614-G-GA.
Other names: c.787+3767dup (NM_001375654.1); short protein forms I725fs.
Identifiers: ClinVar variation 1457316 (VCV001457316.6), dbSNP rs2129316466, ClinGen allele CA2573143220.

ClinVar aggregate classification (germline): Pathogenic (1 of 4 stars; one submission).

Submission:

Labcorp Genetics (formerly Invitae), Labcorp
Classification: Pathogenic. Last evaluated: 2022-03-09. Review status: criteria provided, single submitter. Criteria: Invitae Variant Classification Sherloc (09022015). Collection method: clinical testing. Allele origin: germline.
Comment: This premature translational stop signal has been observed in individual(s) with retinitis pigmentosa (Invitae). For these reasons, this variant has been classified as Pathogenic. This variant disrupts a region of the RP1 protein in which other variant(s) (p.Ile2061Serfs*12) have been determined to be pathogenic (PMID: 11527933, 19933189, 29425069, 30027431). This suggests that this is a clinically significant region of the protein, and that variants that disrupt it are likely to be disease-causing. This variant is not present in population databases (gnomAD no frequency). This sequence change creates a premature translational stop signal (p.Ile725Asnfs*4) in the RP1 gene. While this is not anticipated to result in nonsense mediated decay, it is expected to disrupt the last 1432 amino acid(s) of the RP1 protein.

Literature cited by the submitters: PubMed 11527933; PubMed 19933189; PubMed 29425069; PubMed 30027431.